The following is an entry in ClinVar:

NM_015311.3(OBSL1):c.2692_2693delinsGGTGT (p.Trp898delinsGlyVal)

Gene: OBSL1 (obscurin like cytoskeletal adaptor 1; minus strand). Cytogenetic location: 2q35.
Variant type: Indel.
Coding change: c.2692_2693delinsGGTGT on transcript NM_015311.3 (MANE Select); coding-DNA positions 2692 to 2693, TG replaced by GGTGT.
Protein change: p.Trp898delinsGlyVal.
Molecular consequence: inframe indel.
Genome position (GRCh38, 1-based): chr2:219,562,662-219,562,663, CA replaced by ACACC on the plus strand (TG replaced by GGTGT on the coding strand, the reverse complement: OBSL1 is on the minus strand). VCF-style: chr2-219562662-CA-ACACC. GRCh37 (hg19) VCF-style: chr2-220427384-CA-ACACC.
Other names: c.2692_2693delinsGGTGT, p.Trp898delinsGlyVal (NM_001173408.2, NM_001173431.2).
Identifiers: ClinVar variation 1343667 (VCV001343667.1), dbSNP rs2106067916, ClinGen allele CA2573051869.
Genomic context (GRCh38, chr2:219,562,662, plus strand): 5'-AGCACCACACGCTCCAGGCGCACGGCTGCCACATACACCTTGCCGCTGGGATACACGATC[CA>ACACC]CGAGGAGACGTCTGGAGGACAGGGACAGCCACTGCCGGGCATGAGGGGTGTGCCCTGCCG-3'

ClinVar aggregate classification (germline): Uncertain significance (1 of 4 stars; one submission).

Submission:

Women's Health and Genetics/Laboratory Corporation of America, LabCorp
Classification: Uncertain significance. Last evaluated: 2022-02-03. Review status: criteria provided, single submitter. Criteria: LabCorp Variant Classification Summary - May 2015. Collection method: clinical testing. Allele origin: germline.
Comment: Variant summary: OBSL1 c.2692_2693delinsGGTGT (p.Trp898delinsGlyVal) results in an in-frame deletion-insertion that is predicted to delete one amino acid from the protein and replace it with two new amino acids. The variant was absent in 153752 control chromosomes. The available data on variant occurrences in the general population are insufficient to allow any conclusion about variant significance. To our knowledge, no occurrence of c.2692_2693delinsGGTGT in individuals affected with Three M Syndrome 2 and no experimental evidence demonstrating its impact on protein function have been reported. No clinical diagnostic laboratories have submitted clinical-significance assessments for this variant to ClinVar after 2014. Based on the evidence outlined above, the variant was classified as uncertain significance.